The following is an entry in ClinVar:

NM_001283009.2(RTEL1):c.3131A>C (p.Gln1044Pro)

Genes: RTEL1 (regulator of telomere elongation helicase 1; plus strand), RTEL1-TNFRSF6B (RTEL1-TNFRSF6B readthrough (NMD candidate); plus strand). Cytogenetic location: 20q13.33.
Variant type: single nucleotide variant.
Coding change: c.3131A>C on transcript NM_001283009.2 (MANE Select); coding-DNA position 3131, A replaced by C.
Protein change: p.Gln1044Pro; replaces glutamine 1044 with proline.
Molecular consequence: missense variant. On other transcripts: non-coding transcript variant (1).
Genome position (GRCh38, 1-based): chr20:63,694,762, A>C. VCF-style: chr20-63694762-A-C. GRCh37 (hg19) VCF-style: chr20-62326115-A-C.
Other names: c.2462A>C, p.Gln821Pro (NM_001283010.1); c.3131A>C, p.Gln1044Pro (NM_016434.4); c.3203A>C, p.Gln1068Pro (NM_032957.5); short protein forms Q1044P, Q1068P, Q821P.
Identifiers: ClinVar variation 3436043 (VCV003436043.1).

ClinVar aggregate classification (germline): Uncertain significance (1 of 4 stars; one submission).

Conditions:
Inborn genetic diseases. Identifiers: MedGen C0950123, MeSH D030342.

gnomAD v4.1: 5 of 1,607,538 alleles (0.00031%); highest among the groups gnomAD compares: Non-Finnish European, 0.00042%; no homozygotes.

Submission:

Ambry Genetics
Classification: Uncertain significance for Inborn genetic diseases. Last evaluated: 2024-12-08. Review status: criteria provided, single submitter. Criteria: Ambry Variant Classification Scheme 2023. Collection method: clinical testing. Allele origin: germline.
Comment: The p.Q1044P variant (also known as c.3131A>C), located in coding exon 31 of the RTEL1 gene, results from an A to C substitution at nucleotide position 3131. The glutamine at codon 1044 is replaced by proline, an amino acid with similar properties. This amino acid position is conserved. In addition, this alteration is predicted to be tolerated by in silico analysis. Based on the available evidence, the clinical significance of this variant remains unclear.